The following is an entry in ClinVar:

ClinVar aggregate classification (germline): Benign. Review status: criteria provided, multiple submitters, no conflicts (2 of 4 stars). 3 submissions from 3 submitters: Benign (3). Last evaluated 2021-07-10.

Conditions:
Agenesis of the corpus callosum with peripheral neuropathy (ACCPN). Also called: CHARLEVOIX DISEASE; Hereditary Motor and Sensory Neuropathy with Agenesis of the Corpus Callosum; HMSN/ACC; POLYNEUROPATHY, SENSORIMOTOR, WITH OR WITHOUT AGENESIS OF THE CORPUS CALLOSUM. Identifiers: Orphanet 1496, MedGen C0795950, MONDO:0000902, OMIM 218000. Disease mechanism: loss of function.

Allele frequency attached by ClinVar (database versions not stated): gnomAD 0.09986 and 0.10506; TOPMed 0.11001; gnomAD exomes 0.11617; 1000 Genomes Project 30x 0.15678; 1000 Genomes Project 0.15974.
gnomAD v4.1: 97,364 of 852,094 alleles (11%); highest among the groups gnomAD compares: East Asian, 25%; 6,411 homozygotes.

Submissions (3):

Genome-Nilou Lab
Classification: Benign for Agenesis of the corpus callosum with peripheral neuropathy. Last evaluated: 2021-07-10. Review status: criteria provided, single submitter. Criteria: ACMG Guidelines, 2015. Collection method: clinical testing. Allele origin: germline. Affected: no.

GeneDx
Classification: Benign. Last evaluated: 2018-06-19. Review status: criteria provided, single submitter. Criteria: GeneDx Variant Classification (06012015). Collection method: clinical testing. Allele origin: germline. Affected: yes.
Comment: This variant is considered likely benign or benign based on one or more of the following criteria: it is a conservative change, it occurs at a poorly conserved position in the protein, it is predicted to be benign by multiple in silico algorithms, and/or has population frequency not consistent with disease.

Breakthrough Genomics
Classification: Benign. Review status: criteria provided, single submitter. Criteria: ACMG Guidelines, 2015. Collection method: not provided. Allele origin: germline. Inheritance: Autosomal recessive inheritance. Affected: yes.

NM_001365088.1(SLC12A6):c.1591+93C>G

Gene: SLC12A6 (solute carrier family 12 member 6; minus strand). Cytogenetic location: 15q14.
Variant type: single nucleotide variant.
Coding change: c.1591+93C>G on transcript NM_001365088.1 (MANE Select); 93 bases into the intron after coding-DNA position 1591, C replaced by G.
Molecular consequence: intron variant.
Genome position (GRCh38, 1-based): chr15:34,250,538, G>C on the plus strand (C>G on the coding strand, the complement: SLC12A6 is on the minus strand). VCF-style: chr15-34250538-G-C. GRCh37 (hg19) VCF-style: chr15-34542739-G-C.
Other names: c.1414+93C>G (NM_001042495.2, NM_001042494.2); c.1564+93C>G (NM_001042496.2); c.1546+93C>G (NM_001042497.2); c.1591+93C>G (NM_133647.2); c.1438+93C>G (NM_005135.2).
Identifiers: ClinVar variation 670092 (VCV000670092.5), dbSNP rs56761496, ClinGen allele CA268638076.